The following is an entry in ClinVar:

ClinVar aggregate classification (germline): Benign. Review status: criteria provided, multiple submitters, no conflicts (2 of 4 stars). 3 submissions from 3 submitters: Benign (3). Last evaluated 2026-09-01.

Conditions:
Neu-Laxova syndrome 2. Identifiers: Orphanet 2671, Orphanet 583602, MedGen C4015019, MONDO:0014466, OMIM 616038.

Allele frequency attached by ClinVar (database versions not stated): 1000 Genomes Project 0.00240; 1000 Genomes Project 30x 0.00265; TOPMed 0.00706; ESP Exome Variant Server 0.00907; gnomAD 0.00916 and 0.00971.
gnomAD v4.1: 16,071 of 1,613,654 alleles (1%); highest among the groups gnomAD compares: Non-Finnish European, 1.2%; 183 homozygotes.

Submissions (3):

CeGaT Center for Human Genetics Tuebingen
Classification: Benign. Last evaluated: 2026-09-01. Review status: criteria provided, single submitter. Criteria: CeGaT Center For Human Genetics Tuebingen Variant Classification Criteria Version 2. Collection method: clinical testing. Allele origin: germline. Affected: yes. Observed: 35 variant alleles.
Comment: PSAT1: BS1, BS2

Labcorp Genetics (formerly Invitae), Labcorp
Classification: Benign for Neu-Laxova syndrome 2. Last evaluated: 2026-02-04. Review status: criteria provided, single submitter. Criteria: Invitae Variant Classification Sherloc (09022015). Collection method: clinical testing. Allele origin: germline.

Breakthrough Genomics
Classification: Benign. Review status: criteria provided, single submitter. Criteria: ACMG Guidelines, 2015. Collection method: not provided. Allele origin: germline. Inheritance: Autosomal recessive inheritance. Affected: yes.

NM_058179.4(PSAT1):c.348G>A (p.Lys116=)

Gene: PSAT1 (phosphoserine aminotransferase 1; plus strand). Cytogenetic location: 9q21.2.
Variant type: single nucleotide variant.
Coding change: c.348G>A on transcript NM_058179.4 (MANE Select); coding-DNA position 348, G replaced by A.
Protein change: p.Lys116=; no amino-acid change (lysine 116 retained).
Molecular consequence: synonymous variant.
Genome position (GRCh38, 1-based): chr9:78,304,891, G>A. VCF-style: chr9-78304891-G-A. GRCh37 (hg19) VCF-style: chr9-80919807-G-A.
Other names: c.348G>A, p.Lys116= (NM_021154.5).
Identifiers: ClinVar variation 542040 (VCV000542040.36), dbSNP rs41277897, ClinGen allele CA5095587.